The following is an entry in ClinVar:

NM_000059.4(BRCA2):c.6841+225T>C

Gene: BRCA2 (BRCA2 DNA repair associated; plus strand). Cytogenetic location: 13q13.1.
Variant type: single nucleotide variant.
Coding change: c.6841+225T>C on transcript NM_000059.4 (MANE Select); 225 bases into the intron after coding-DNA position 6841, T replaced by C.
Molecular consequence: intron variant.
Genome position (GRCh38, 1-based): chr13:32,341,421, T>C. VCF-style: chr13-32341421-T-C. GRCh37 (hg19) VCF-style: chr13-32915558-T-C.
Other names: IVS 11+225T>C.
Identifiers: ClinVar variation 209692 (VCV000209692.4), dbSNP rs145237950, ClinGen allele CA276660.

ClinVar aggregate classification (germline): Benign. Review status: reviewed by expert panel (3 of 4 stars). 2 submissions from 2 submitters: Benign (1). 1 of the submissions does not count toward it. Last evaluated 2015-01-12.

Conditions:
Breast-ovarian cancer, familial, susceptibility to, 2 (BROVCA2). Also called: BRCA2 Hereditary Breast and Ovarian Cancer. Identifiers: Orphanet 145, MedGen C2675520, MONDO:0012933, OMIM 612555. Disease mechanism: loss of function.

Allele frequency attached by ClinVar (database versions not stated): TOPMed 0.00515; 1000 Genomes Project 0.00399; gnomAD 0.00418 and 0.00448; 1000 Genomes Project 30x 0.00468.
gnomAD v4.1: 626 of 152,282 alleles (0.41%); highest among the groups gnomAD compares: African/African-American, 1.4%; 5 homozygotes.

Submissions (2):

Evidence-based Network for the Interpretation of Germline Mutant Alleles (ENIGMA)
Classification: Benign for Breast-ovarian cancer, familial 2. Last evaluated: 2015-01-12. Review status: reviewed by expert panel. Criteria: ENIGMA BRCA1/2 Classification Criteria (2015). Collection method: curation. Allele origin: germline.
Comment: Class 1 not pathogenic based on frequency >1% in an outbred sampleset. Frequency 0.01016 (African), derived from 1000 genomes (2012-04-30).

GeneDx
Classification: Likely benign. Last evaluated: 2018-06-26. Review status: criteria provided, single submitter. Criteria: GeneDx Variant Classification Process June 2021. Collection method: clinical testing. Allele origin: germline. Affected: yes. Not counted in ClinVar's aggregate classification.